The following is an entry in ClinVar:

NM_001035.3(RYR2):c.13198G>T (p.Ala4400Ser)

Genes: RYR2 (ryanodine receptor 2; plus strand), LOC126806068 (BRD4-independent group 4 enhancer GRCh37_chr1:237947411-237948610; plus strand). Cytogenetic location: 1q43.
Variant type: single nucleotide variant.
Coding change: c.13198G>T on transcript NM_001035.3 (MANE Select); coding-DNA position 13198, G replaced by T.
Protein change: p.Ala4400Ser; replaces alanine 4400 with serine.
Molecular consequence: missense variant.
Genome position (GRCh38, 1-based): chr1:237,784,910, G>T. VCF-style: chr1-237784910-G-T. GRCh37 (hg19) VCF-style: chr1-237948210-G-T.
Other names: c.13198G>T (NM_001035.2); short protein forms A4400S.
Identifiers: ClinVar variation 1356713 (VCV001356713.13), dbSNP rs750662333, ClinGen allele CA085306.

ClinVar aggregate classification (germline): Uncertain significance. Review status: criteria provided, multiple submitters, no conflicts (2 of 4 stars). 5 submissions from 5 submitters: Uncertain significance (5). Last evaluated 2026-09-21.

Conditions:
Cardiovascular phenotype. Identifiers: MedGen CN230736.
Catecholaminergic polymorphic ventricular tachycardia (CVPT). Also called: Catecholamine-induced polymorphic ventricular tachycardia. Identifiers: Orphanet 3286, MedGen C5574922, MONDO:0017990.
Catecholaminergic polymorphic ventricular tachycardia 1. Also called: VENTRICULAR TACHYCARDIA, STRESS-INDUCED POLYMORPHIC 1; VENTRICULAR TACHYCARDIA, CATECHOLAMINERGIC POLYMORPHIC, 1, WITH OR WITHOUT ATRIAL DYSFUNCTION AND/OR DILATED CARDIOMYOPATHY; RYR2-Related Catecholaminergic Polymorphic Ventricular Tachycardia. Identifiers: Orphanet 3286, MedGen C1631597, MONDO:0011484, OMIM 604772.

Allele frequency attached by ClinVar (database versions not stated): gnomAD exomes 0.00001 and below 0.00001; TOPMed 0.00001; ExAC 0.00001; gnomAD 0.00001.
gnomAD v4.1: 19 of 1,610,554 alleles (0.0012%); highest among the groups gnomAD compares: Non-Finnish European, 0.0014%; no homozygotes.

Submissions (5):

Molecular Diagnostic Laboratory for Inherited Cardiovascular Disease, Montreal Heart Institute
Classification: Uncertain significance for Cardiovascular phenotype. Last evaluated: 2026-09-21. Review status: criteria provided, single submitter. Criteria: ACMG Guidelines, 2015. Collection method: clinical testing. Allele origin: germline. Affected: yes.
Comment: PM2, PP2

Labcorp Genetics (formerly Invitae), Labcorp
Classification: Uncertain significance for Catecholaminergic polymorphic ventricular tachycardia 1. Last evaluated: 2025-10-08. Review status: criteria provided, single submitter. Criteria: Invitae Variant Classification Sherloc (09022015). Collection method: clinical testing. Allele origin: germline.
Comment: This sequence change replaces alanine, which is neutral and non-polar, with serine, which is neutral and polar, at codon 4400 of the RYR2 protein (p.Ala4400Ser). The frequency data for this variant in the population databases is considered unreliable, as metrics indicate poor data quality at this position in the gnomAD database. This variant has not been reported in the literature in individuals affected with RYR2-related conditions. ClinVar contains an entry for this variant (Variation ID: 1356713). Invitae Evidence Modeling of protein sequence and biophysical properties (such as structural, functional, and spatial information, amino acid conservation, physicochemical variation, residue mobility, and thermodynamic stability) indicates that this missense variant is not expected to disrupt RYR2 protein function with a negative predictive value of 95%. In summary, the available evidence is currently insufficient to determine the role of this variant in disease. Therefore, it has been classified as a Variant of Uncertain Significance.

Ambry Genetics
Classification: Uncertain significance for Cardiovascular phenotype. Last evaluated: 2025-09-16. Review status: criteria provided, single submitter. Criteria: Ambry Variant Classification Scheme 2023. Collection method: clinical testing. Allele origin: germline.
Comment: The p.A4400S variant (also known as c.13198G>T), located in coding exon 90 of the RYR2 gene, results from a G to T substitution at nucleotide position 13198. The alanine at codon 4400 is replaced by serine, an amino acid with similar properties. This amino acid position is highly conserved in available vertebrate species. In addition, the in silico prediction for this alteration is inconclusive. Based on the available evidence, the clinical significance of this variant remains unclear.

GeneDx
Classification: Uncertain significance. Last evaluated: 2025-01-27. Review status: criteria provided, single submitter. Criteria: GeneDx Variant Classification Process June 2021. Collection method: clinical testing. Allele origin: germline. Affected: yes.
Comment: Not observed at significant frequency in large population cohorts (gnomAD); In silico analysis indicates that this missense variant does not alter protein structure/function; Has not been previously published as pathogenic or benign to our knowledge; This variant is associated with the following publications: (PMID: 19926015)

All of Us Research Program, National Institutes of Health
Classification: Uncertain significance for Catecholaminergic polymorphic ventricular tachycardia. Last evaluated: 2023-08-15. Review status: criteria provided, single submitter. Criteria: ACMG Guidelines, 2015. Collection method: clinical testing. Allele origin: germline. Inheritance: Autosomal dominant inheritance. Observed: 2 variant alleles, 2 heterozygotes.
Comment: This missense variant replaces alanine with serine at codon 4400 of the RYR2 protein. Computational prediction suggests that this variant may not impact protein structure and function (internally defined REVEL score threshold <= 0.5, PMID: 27666373). To our knowledge, functional studies have not been reported for this variant. This variant has not been reported in individuals affected with RYR2-related disorders in the literature. This variant has been identified in 1/240800 chromosomes in the general population by the Genome Aggregation Database (gnomAD). The available evidence is insufficient to determine the role of this variant in disease conclusively. Therefore, this variant is classified as a Variant of Uncertain Significance.

This study involves interpretation of variants in research participants for the purpose of population health screening. Participant phenotype was not available at the time of variant classification. Additional details can be found in publication PMID: 35346344, PMCID: PMC8962531